The following is an entry in ClinVar:

ClinVar aggregate classification (germline): Uncertain significance (1 of 4 stars; one submission).

Conditions:
Hereditary cancer-predisposing syndrome. Also called: Neoplastic Syndromes, Hereditary; Tumor predisposition; Hereditary Cancer Syndrome; Hereditary neoplastic syndrome. Identifiers: Orphanet 140162, MedGen C0027672, MeSH D009386, MONDO:0015356.

Submission:

Ambry Genetics
Classification: Uncertain significance for Hereditary cancer-predisposing syndrome. Last evaluated: 2026-03-24. Review status: criteria provided, single submitter. Criteria: Ambry Variant Classification Scheme 2023. Collection method: clinical testing. Allele origin: germline.
Comment: The p.C418G variant (also known as c.1252T>G), located in coding exon 9 of the STK11 gene, results from a T to G substitution at nucleotide position 1252. The cysteine at codon 418 is replaced by glycine, an amino acid with highly dissimilar properties. This amino acid position is conserved. In addition, this alteration is predicted to be tolerated by in silico analysis. Based on the available evidence, the clinical significance of this variant remains unclear.

NM_000455.5(STK11):c.1252T>G (p.Cys418Gly)

Gene: STK11 (serine/threonine kinase 11; plus strand). Cytogenetic location: 19p13.3.
Variant type: single nucleotide variant.
Coding change: c.1252T>G on transcript NM_000455.5 (MANE Select); coding-DNA position 1252, T replaced by G.
Protein change: p.Cys418Gly; replaces cysteine 418 with glycine.
Molecular consequence: missense variant. On other transcripts: non-coding transcript variant (1).
Genome position (GRCh38, 1-based): chr19:1,226,597, T>G. VCF-style: chr19-1226597-T-G. GRCh37 (hg19) VCF-style: chr19-1226596-T-G.
Other names: short protein forms C418G.
Identifiers: ClinVar variation 4865199 (VCV004865199.1).